The following is an entry in ClinVar:

NM_001374828.1(ARID1B):c.399C>G (p.Ser133=)

Genes: ARID1B (AT-rich interaction domain 1B; plus strand), LOC115308161 (uncharacterized LOC115308161; minus strand). Cytogenetic location: 6q25.3.
Variant type: single nucleotide variant.
Coding change: c.399C>G on transcript NM_001374828.1 (MANE Select); coding-DNA position 399, C replaced by G.
Protein change: p.Ser133=; no amino-acid change (serine 133 retained).
Molecular consequence: synonymous variant.
Genome position (GRCh38, 1-based): chr6:156,778,079, C>G. VCF-style: chr6-156778079-C-G. GRCh37 (hg19) VCF-style: chr6-157099213-C-G.
Other names: c.150C>G, p.Ser50= (NM_001346813.1, NM_020732.3); c.399C>G, p.Ser133= (NM_001371656.1, NM_001374820.1, NM_017519.3); c.-25C>G (NM_175863.2).
Identifiers: ClinVar variation 1919365 (VCV001919365.30), dbSNP rs747865443, ClinGen allele CA4066619.

ClinVar aggregate classification (germline): Likely benign. Review status: criteria provided, multiple submitters, no conflicts (2 of 4 stars). 3 submissions from 3 submitters: Likely benign (3). Last evaluated 2026-01-12.

Allele frequency attached by ClinVar (database versions not stated): gnomAD 0.00001; gnomAD exomes 0.00001; TOPMed 0.00002; ExAC 0.00007.
gnomAD v4.1: 18 of 1,539,812 alleles (0.0012%); highest among the groups gnomAD compares: Non-Finnish European, 0.0015%; no homozygotes.

Submissions (3):

Labcorp Genetics (formerly Invitae), Labcorp
Classification: Likely benign. Last evaluated: 2026-01-12. Review status: criteria provided, single submitter. Criteria: Invitae Variant Classification Sherloc (09022015). Collection method: clinical testing. Allele origin: germline.

CeGaT Center for Human Genetics Tuebingen
Classification: Likely benign. Last evaluated: 2022-12-01. Review status: criteria provided, single submitter. Criteria: CeGaT Center For Human Genetics Tuebingen Variant Classification Criteria Version 2. Collection method: clinical testing. Allele origin: germline. Affected: yes. Observed: 2 variant alleles.
Comment: ARID1B: BP4, BP7

Blueprint Genetics
Classification: Likely benign. Last evaluated: 2022-08-02. Review status: criteria provided, single submitter. Criteria: ACMG Guidelines, 2015. Collection method: clinical testing. Allele origin: germline.